The following is an entry in ClinVar:

NM_001853.4(COL9A3):c.1486G>A (p.Gly496Ser)

Genes: COL9A3 (collagen type IX alpha 3 chain; plus strand), LOC126863084 (MED14-independent group 3 enhancer GRCh37_chr20:61467141-61468340; plus strand). Cytogenetic location: 20q13.33.
Variant type: single nucleotide variant.
Coding change: c.1486G>A on transcript NM_001853.4 (MANE Select); coding-DNA position 1486, G replaced by A.
Protein change: p.Gly496Ser; replaces glycine 496 with serine.
Molecular consequence: missense variant.
Genome position (GRCh38, 1-based): chr20:62,836,271, G>A. VCF-style: chr20-62836271-G-A. GRCh37 (hg19) VCF-style: chr20-61467623-G-A.
Other names: c.1486G>A (NM_001853.3); short protein forms G496S.
Identifiers: ClinVar variation 1023921 (VCV001023921.11), dbSNP rs1313019807, ClinGen allele CA409597949.

ClinVar aggregate classification (germline): Uncertain significance. Review status: criteria provided, multiple submitters, no conflicts (2 of 4 stars). 3 submissions from 3 submitters: Uncertain significance (3). Last evaluated 2026-02-24.

Conditions:
COL9A3-related disorder. Also called: COL9A3-related condition.

Allele frequency attached by ClinVar (database versions not stated): gnomAD exomes below 0.00001; gnomAD 0.00001; TOPMed 0.00002.
gnomAD v4.1: 8 of 1,613,732 alleles (0.0005%); highest among the groups gnomAD compares: African/African-American, 0.0027%; no homozygotes.

Submissions (3):

PreventionGenetics, part of Exact Sciences
Classification: Uncertain significance for COL9A3-related condition. Last evaluated: 2026-02-24. Review status: criteria provided, single submitter. Criteria: ACMG Guidelines, 2015. Collection method: clinical testing. Allele origin: germline.
Comment: The COL9A3 c.1486G>A variant is predicted to result in the amino acid substitution p.Gly496Ser. To our knowledge, this variant has not been reported in the literature. This variant is reported in 0.010% of alleles in individuals of Ashkenazi Jewish descent in gnomAD. At this time, the clinical significance of this variant is uncertain due to the absence of conclusive functional and genetic evidence.

Labcorp Genetics (formerly Invitae), Labcorp
Classification: Uncertain significance. Last evaluated: 2025-03-17. Review status: criteria provided, single submitter. Criteria: Invitae Variant Classification Sherloc (09022015). Collection method: clinical testing. Allele origin: germline.
Comment: This sequence change replaces glycine, which is neutral and non-polar, with serine, which is neutral and polar, at codon 496 of the COL9A3 protein (p.Gly496Ser). This variant is present in population databases (no rsID available, gnomAD 0.01%). This variant has not been reported in the literature in individuals affected with COL9A3-related conditions. ClinVar contains an entry for this variant (Variation ID: 1023921). Invitae Evidence Modeling of protein sequence and biophysical properties (such as structural, functional, and spatial information, amino acid conservation, physicochemical variation, residue mobility, and thermodynamic stability) indicates that this missense variant is expected to disrupt COL9A3 protein function with a positive predictive value of 95%. In summary, the available evidence is currently insufficient to determine the role of this variant in disease. Therefore, it has been classified as a Variant of Uncertain Significance.

GeneDx
Classification: Uncertain significance. Last evaluated: 2023-12-20. Review status: criteria provided, single submitter. Criteria: GeneDx Variant Classification Process June 2021. Collection method: clinical testing. Allele origin: germline. Affected: yes.
Comment: Not observed at significant frequency in large population cohorts (gnomAD); In silico analysis supports that this missense variant has a deleterious effect on protein structure/function; Has not been previously published as pathogenic or benign to our knowledge